The following is an entry in ClinVar:

ClinVar aggregate classification (germline): Pathogenic (1 of 4 stars; one submission).

Submission:

GeneDx
Classification: Pathogenic. Last evaluated: 2022-04-15. Review status: criteria provided, single submitter. Criteria: GeneDx Variant Classification Process June 2021. Collection method: clinical testing. Allele origin: germline. Affected: yes.
Comment: Not observed at significant frequency in large population cohorts (gnomAD); In silico analysis supports that this missense variant has a deleterious effect on protein structure/function; This variant is associated with the following publications: (PMID: 25603783, Maxine2015, 25627281)

NM_001451.3(FOXF1):c.257G>C (p.Arg86Pro)

Gene: FOXF1 (forkhead box F1; plus strand). Cytogenetic location: 16q24.1.
Variant type: single nucleotide variant.
Coding change: c.257G>C on transcript NM_001451.3 (MANE Select); coding-DNA position 257, G replaced by C.
Protein change: p.Arg86Pro; replaces arginine 86 with proline.
Molecular consequence: missense variant.
Genome position (GRCh38, 1-based): chr16:86,510,826, G>C. VCF-style: chr16-86510826-G-C. GRCh37 (hg19) VCF-style: chr16-86544432-G-C.
Other names: short protein forms R86P.
Identifiers: ClinVar variation 1710679 (VCV001710679.2), dbSNP rs2507450475, ClinGen allele CA397005725.